The following is an entry in ClinVar:

ClinVar aggregate classification (germline): Conflicting classifications of pathogenicity. Review status: criteria provided, conflicting classifications (1 of 4 stars). 4 submissions from 4 submitters: Likely pathogenic (1); Uncertain significance (3). Last evaluated 2024-03-11.

Conditions:
Inborn genetic diseases. Identifiers: MedGen C0950123, MeSH D030342.

Allele frequency attached by ClinVar (database versions not stated): gnomAD exomes 0.00001 and 0.00005; ExAC 0.00009; gnomAD 0.00011; 1000 Genomes Project 30x 0.00016; TOPMed 0.00017; 1000 Genomes Project 0.00020; ESP Exome Variant Server 0.00023.
gnomAD v4.1: 40 of 1,609,662 alleles (0.0025%); highest among the groups gnomAD compares: African/African-American, 0.039%; no homozygotes.

Submissions (4):

Ambry Genetics
Classification: Uncertain significance for Inborn genetic diseases. Last evaluated: 2024-03-11. Review status: criteria provided, single submitter. Criteria: Ambry Variant Classification Scheme 2023. Collection method: clinical testing. Allele origin: germline.

Labcorp Genetics (formerly Invitae), Labcorp
Classification: Likely pathogenic. Last evaluated: 2024-02-22. Review status: criteria provided, single submitter. Criteria: Invitae Variant Classification Sherloc (09022015). Collection method: clinical testing. Allele origin: germline.
Comment: This sequence change replaces glutamic acid, which is acidic and polar, with lysine, which is basic and polar, at codon 343 of the CERS3 protein (p.Glu343Lys). This variant is present in population databases (rs145849861, gnomAD 0.06%). This missense change has been observed in individual(s) with congenital ichthyosis (Invitae). ClinVar contains an entry for this variant (Variation ID: 916164). Advanced modeling of protein sequence and biophysical properties (such as structural, functional, and spatial information, amino acid conservation, physicochemical variation, residue mobility, and thermodynamic stability) performed at Invitae indicates that this missense variant is expected to disrupt CERS3 protein function with a positive predictive value of 80%. In summary, the currently available evidence indicates that the variant is pathogenic, but additional data are needed to prove that conclusively. Therefore, this variant has been classified as Likely Pathogenic.

CeGaT Center for Human Genetics Tuebingen
Classification: Uncertain significance. Last evaluated: 2020-04-01. Review status: criteria provided, single submitter. Criteria: CeGaT Center For Human Genetics Tuebingen Variant Classification Criteria Version 2. Collection method: clinical testing. Allele origin: germline. Affected: yes. Observed: 1 variant allele.

GeneDx
Classification: Uncertain significance. Last evaluated: 2019-01-29. Review status: criteria provided, single submitter. Criteria: GeneDx Variant Classification Process June 2021. Collection method: clinical testing. Allele origin: germline. Affected: yes.
Comment: In silico analysis, which includes protein predictors and evolutionary conservation, supports that this variant does not alter protein structure/function; Has not been previously published as pathogenic or benign to our knowledge

NM_001378789.1(CERS3):c.1027G>A (p.Glu343Lys)

Genes: CERS3 (ceramide synthase 3; minus strand), CERS3-AS1 (CERS3 antisense RNA 1; plus strand). Cytogenetic location: 15q26.3.
Variant type: single nucleotide variant.
Coding change: c.1027G>A on transcript NM_001378789.1 (MANE Select); coding-DNA position 1027, G replaced by A.
Protein change: p.Glu343Lys; replaces glutamic acid 343 with lysine.
Molecular consequence: missense variant.
Genome position (GRCh38, 1-based): chr15:100,402,838, C>T on the plus strand (G>A on the coding strand, the complement: CERS3 is on the minus strand). VCF-style: chr15-100402838-C-T. GRCh37 (hg19) VCF-style: chr15-100943043-C-T.
Other names: c.1060G>A, p.Glu354Lys (NM_001290341.2); c.1027G>A, p.Glu343Lys (NM_001290342.2, NM_001290343.2, NM_178842.5); short protein forms E354K, E343K.
Identifiers: ClinVar variation 916164 (VCV000916164.45), dbSNP rs145849861, ClinGen allele CA7758834.